The following is an entry in ClinVar:

ClinVar aggregate classification (germline): Conflicting classifications of pathogenicity. Review status: criteria provided, conflicting classifications (1 of 4 stars). 4 submissions from 4 submitters: Uncertain significance (3); Likely benign (1). Last evaluated 2025-12-30.

Conditions:
Congenital dyserythropoietic anemia, type I. Also called: Dyserythropoietic anemia, congenital type 1. Identifiers: Orphanet 98869, MedGen C0271933, MONDO:0020337. Disease mechanism: loss of function.
Anemia, congenital dyserythropoietic, type 1a (CDAN1A). Also called: DYSERYTHROPOIETIC ANEMIA, CONGENITAL, TYPE Ia; CDAN1-Related Congenital Dyserythropoietic Anemia. Identifiers: MedGen C5574667, MONDO:0009135, OMIM 224120.

Allele frequency attached by ClinVar (database versions not stated): 1000 Genomes Project 30x 0.00016; 1000 Genomes Project 0.00020; gnomAD 0.00022 and 0.00023; TOPMed 0.00025; gnomAD exomes 0.00028 and 0.00058; ExAC 0.00171.

Submissions (4):

Labcorp Genetics (formerly Invitae), Labcorp
Classification: Likely benign. Last evaluated: 2025-12-30. Review status: criteria provided, single submitter. Criteria: Invitae Variant Classification Sherloc (09022015). Collection method: clinical testing. Allele origin: germline.

Mayo Clinic Laboratories, Mayo Clinic
Classification: Uncertain significance. Last evaluated: 2025-07-03. Review status: criteria provided, single submitter. Criteria: ACMG Guidelines, 2015. Collection method: clinical testing. Allele origin: germline. Observed: 1 variant allele.
Comment: BP4

Baylor Genetics
Classification: Uncertain significance for Anemia, congenital dyserythropoietic, type 1a. Last evaluated: 2020-06-03. Review status: criteria provided, single submitter. Criteria: ACMG Guidelines, 2015. Collection method: clinical testing. Allele origin: unknown. Affected: yes.
Comment: This variant was determined to be of uncertain significance according to ACMG Guidelines, 2015 [PMID:25741868].

Illumina Laboratory Services, Illumina
Classification: Uncertain significance for Anemia, congenital dyserythropoietic, type 1a. Last evaluated: 2018-01-12. Review status: criteria provided, single submitter. Criteria: ICSL Variant Classification Criteria 13 December 2019. Collection method: clinical testing. Allele origin: germline.

Literature cited by the submitters: PubMed 32641076 (cited by Mayo Clinic Laboratories, Mayo Clinic).

NM_138477.4(CDAN1):c.256C>T (p.Pro86Ser)

Genes: CDAN1 (codanin 1; minus strand), LOC130056931 (ATAC-STARR-seq lymphoblastoid silent region 6376; plus strand). Cytogenetic location: 15q15.2.
Variant type: single nucleotide variant.
Coding change: c.256C>T on transcript NM_138477.4 (MANE Select); coding-DNA position 256, C replaced by T.
Protein change: p.Pro86Ser; replaces proline 86 with serine.
Molecular consequence: missense variant.
Genome position (GRCh38, 1-based): chr15:42,736,615, G>A on the plus strand (C>T on the coding strand, the complement: CDAN1 is on the minus strand). VCF-style: chr15-42736615-G-A. GRCh37 (hg19) VCF-style: chr15-43028813-G-A.
Other names: p.Pro86Ser; c.256C>T, p.Pro86Ser (LRG_1164t1); short protein forms P86S.
Identifiers: ClinVar variation 315953 (VCV000315953.14), dbSNP rs543791953, ClinGen allele CA7516428.